The following is an entry in ClinVar:

ClinVar aggregate classification (germline): Uncertain significance (1 of 4 stars; one submission).

Conditions:
Cardiomyopathy (CMYO). Also called: Cardiomyopathies. Identifiers: Orphanet 167848, MedGen C0878544, MONDO:0004994, HP:0001638. Inheritance: Various modes of inheritance.

gnomAD v4.1: 11 of 1,614,074 alleles (0.00068%); highest among the groups gnomAD compares: Non-Finnish European, 0.00093%; no homozygotes.

Submission:

Color Diagnostics, LLC DBA Color Health
Classification: Uncertain significance for Cardiomyopathy. Last evaluated: 2025-06-17. Review status: criteria provided, single submitter. Criteria: ACMG Guidelines, 2015. Collection method: clinical testing. Allele origin: germline.
Comment: This variant causes a G>T nucleotide substitution at the -1 position of intron 39 of the MYH7 gene. Splice site prediction tools suggest that this variant may have a significant impact on RNA splicing. Although this prediction has not been confirmed in published RNA studies, this variant is expected to result in an absent or disrupted protein product. This variant has been reported in an individual affected with alcoholic cardiomyopathy (PMID: 29773157), in an individual affected with an unspecified cardiomyopathy (PMID: 30731207), and in an individual affected with myopathy or muscular dystrophy (PMID: 29792937). This variant has not been identified in the general population by the Genome Aggregation Database (gnomAD). Clinical relevance of loss-of-function MYH7 truncation and splice variants in autosomal dominant cardiovascular disorders is not clearly established. The available evidence is insufficient to determine the role of this variant in disease conclusively. Therefore, this variant is classified as a Variant of Uncertain Significance.

Literature cited by the submitters: PubMed 29773157; PubMed 29792937; PubMed 30731207.

NM_000257.4(MYH7):c.5791-1G>T

Gene: MYH7 (myosin heavy chain 7; minus strand). Cytogenetic location: 14q11.2.
Variant type: single nucleotide variant.
Coding change: c.5791-1G>T on transcript NM_000257.4 (MANE Select); the canonical splice acceptor site of the intron before coding-DNA position 5791, G replaced by T.
Molecular consequence: splice acceptor variant.
Genome position (GRCh38, 1-based): chr14:23,412,872, C>A on the plus strand (G>T on the coding strand, the complement: MYH7 is on the minus strand). VCF-style: chr14-23412872-C-A. GRCh37 (hg19) VCF-style: chr14-23882081-C-A.
Other names: c.5791-1G>T (NM_001407004.1).
Identifiers: ClinVar variation 4758783 (VCV004758783.1).